The following is an entry in ClinVar:

ClinVar aggregate classification (germline): Uncertain significance (1 of 4 stars; one submission).

Conditions:
Hereditary cancer-predisposing syndrome. Also called: Neoplastic Syndromes, Hereditary; Tumor predisposition; Hereditary neoplastic syndrome; Hereditary Cancer Syndrome. Identifiers: Orphanet 140162, MedGen C0027672, MeSH D009386, MONDO:0015356.

Submission:

Ambry Genetics
Classification: Uncertain significance for Hereditary cancer-predisposing syndrome. Last evaluated: 2019-10-08. Review status: criteria provided, single submitter. Criteria: Ambry Variant Classification Scheme 2023. Collection method: clinical testing. Allele origin: germline.
Comment: The p.S1180N variant (also known as c.3539G>A), located in coding exon 15 of the APC gene, results from a G to A substitution at nucleotide position 3539. The serine at codon 1180 is replaced by asparagine, an amino acid with highly similar properties. This amino acid position is highly conserved in available vertebrate species. In addition, in silico predictors for this gene do not accurately predict pathogenicity. Since supporting evidence is limited at this time, the clinical significance of this alteration remains unclear.

NM_000038.6(APC):c.3539G>A (p.Ser1180Asn)

Gene: APC (APC regulator of Wnt signaling pathway; plus strand). Cytogenetic location: 5q22.2.
Variant type: single nucleotide variant.
Coding change: c.3539G>A on transcript NM_000038.6 (MANE Select); coding-DNA position 3539, G replaced by A.
Protein change: p.Ser1180Asn; replaces serine 1180 with asparagine.
Molecular consequence: missense variant.
Genome position (GRCh38, 1-based): chr5:112,839,133, G>A. VCF-style: chr5-112839133-G-A. GRCh37 (hg19) VCF-style: chr5-112174830-G-A.
Other names: c.3539G>A, p.Ser1180Asn (NM_001127510.3, NM_001354895.2); c.3485G>A, p.Ser1162Asn (NM_001127511.3); c.3593G>A, p.Ser1198Asn (NM_001354896.2); c.3569G>A, p.Ser1190Asn (NM_001354897.2); c.3464G>A, p.Ser1155Asn (NM_001354898.2); c.3455G>A, p.Ser1152Asn (NM_001354899.2); c.3416G>A, p.Ser1139Asn (NM_001354900.2); c.3362G>A, p.Ser1121Asn (NM_001354901.2); and 5 more; short protein forms S1020N, S1121N, S1198N, S1089N, S1162N, S1079N, S1139N, S1180N.
Identifiers: ClinVar variation 823904 (VCV000823904.4), dbSNP rs1580636760, ClinGen allele CA16029107.